The following is an entry in ClinVar:

NM_018117.12(WDR11):c.879+1G>T

Gene: WDR11 (WD repeat domain 11; plus strand). Cytogenetic location: 10q26.12.
Variant type: single nucleotide variant.
Coding change: c.879+1G>T on transcript NM_018117.12 (MANE Select); the canonical splice donor site of the intron after coding-DNA position 879, G replaced by T.
Molecular consequence: splice donor variant.
Genome position (GRCh38, 1-based): chr10:120,865,213, G>T. VCF-style: chr10-120865213-G-T. GRCh37 (hg19) VCF-style: chr10-122624725-G-T.
Identifiers: ClinVar variation 4293190 (VCV004293190.1).

ClinVar aggregate classification (germline): Likely pathogenic (1 of 4 stars; one submission).

Conditions:
Hypogonadotropic hypogonadism 14 with or without anosmia (HH14). Also called: HYPOGONADOTROPIC HYPOGONADISM 14 WITHOUT ANOSMIA. Identifiers: Orphanet 478, MedGen C3540450, MONDO:0013926, OMIM 614858.

Submission:

3billion
Classification: Likely pathogenic for Hypogonadotropic hypogonadism 14 with or without anosmia. Last evaluated: 2025-02-18. Review status: criteria provided, single submitter. Criteria: ACMG Guidelines, 2015. Collection method: clinical testing. Allele origin: germline. Affected: yes.
Comment: The variant is not observed in the gnomAD v4.1.0 dataset. Predicted Consequence/Location: Canonical splice site: predicted to alter splicing and result in a loss or disruption of normal protein function. Multiple pathogenic loss-of-function variants are reported downstream of the variant. In silico tools predict the variant to alter splicing and produce an abnormal transcript [SpliceAI: 1.00 (spliceogenicity >=0.2, non-spliceogenicity <0.1)]. Therefore, this variant is classified as Likely pathogenic according to the recommendation of ACMG/AMP guideline.